The following is an entry in ClinVar:

ClinVar aggregate classification (germline): Conflicting classifications of pathogenicity. Review status: criteria provided, conflicting classifications (1 of 4 stars). 2 submissions from 2 submitters: Uncertain significance (1); Likely benign (1). Last evaluated 2024-07-31.

Allele frequency attached by ClinVar (database versions not stated): gnomAD 0.00003; TOPMed 0.00003; ExAC 0.00005; gnomAD exomes 0.00008; ESP Exome Variant Server 0.00015.
gnomAD v4.1: 115 of 1,613,890 alleles (0.0071%); highest among the groups gnomAD compares: Non-Finnish European, 0.0091%; no homozygotes.

Submissions (2):

Ambry Genetics
Classification: Likely benign. Last evaluated: 2024-07-31. Review status: criteria provided, single submitter. Criteria: Ambry Variant Classification Scheme 2023. Collection method: clinical testing. Allele origin: germline.

Labcorp Genetics (formerly Invitae), Labcorp
Classification: Uncertain significance. Last evaluated: 2022-02-18. Review status: criteria provided, single submitter. Criteria: Invitae Variant Classification Sherloc (09022015). Collection method: clinical testing. Allele origin: germline.
Comment: This sequence change replaces asparagine, which is neutral and polar, with serine, which is neutral and polar, at codon 522 of the NUP205 protein (p.Asn522Ser). This variant is present in population databases (rs139076870, gnomAD 0.01%). This variant has not been reported in the literature in individuals affected with NUP205-related conditions. Algorithms developed to predict the effect of missense changes on protein structure and function output the following: SIFT: "Tolerated"; PolyPhen-2: "Benign"; Align-GVGD: "Class C0". The serine amino acid residue is found in multiple mammalian species, which suggests that this missense change does not adversely affect protein function. In summary, the available evidence is currently insufficient to determine the role of this variant in disease. Therefore, it has been classified as a Variant of Uncertain Significance.

NM_015135.3(NUP205):c.1565A>G (p.Asn522Ser)

Gene: NUP205 (nucleoporin 205; plus strand). Cytogenetic location: 7q33.
Variant type: single nucleotide variant.
Coding change: c.1565A>G on transcript NM_015135.3 (MANE Select); coding-DNA position 1565, A replaced by G.
Protein change: p.Asn522Ser; replaces asparagine 522 with serine.
Molecular consequence: missense variant.
Genome position (GRCh38, 1-based): chr7:135,591,541, A>G. VCF-style: chr7-135591541-A-G. GRCh37 (hg19) VCF-style: chr7-135276289-A-G.
Other names: c.491A>G, p.Asn164Ser (NM_001329434.2); c.1565A>G (NM_015135.2); short protein forms N164S, N522S.
Identifiers: ClinVar variation 2162218 (VCV002162218.5), dbSNP rs139076870, ClinGen allele CA4498129.